The following is an entry in ClinVar:

NM_001754.5(RUNX1):c.1119G>C (p.Ser373=)

Gene: RUNX1 (RUNX family transcription factor 1; minus strand). Cytogenetic location: 21q22.12.
Variant type: single nucleotide variant.
Coding change: c.1119G>C on transcript NM_001754.5 (MANE Select); coding-DNA position 1119, G replaced by C.
Protein change: p.Ser373=; no amino-acid change (serine 373 retained).
Molecular consequence: synonymous variant.
Genome position (GRCh38, 1-based): chr21:34,792,459, C>G on the plus strand (G>C on the coding strand, the complement: RUNX1 is on the minus strand). VCF-style: chr21-34792459-C-G. GRCh37 (hg19) VCF-style: chr21-36164756-C-G.
Other names: NM_001754.5(RUNX1):c.1119G>C; p.Ser373=; c.1038G>C, p.Ser346= (NM_001001890.3).
Identifiers: ClinVar variation 532687 (VCV000532687.12), dbSNP rs766678402, ClinGen allele CA10014198.

ClinVar aggregate classification (germline): Likely benign. Review status: reviewed by expert panel (3 of 4 stars). 3 submissions from 3 submitters: Likely benign (1). 2 of the submissions do not count toward it. Last evaluated 2022-02-11.

Conditions:
Inborn genetic diseases. Identifiers: MedGen C0950123, MeSH D030342.
Hereditary thrombocytopenia and hematologic cancer predisposition syndrome. Identifiers: Orphanet 71290, MedGen CN281654, MONDO:0011071.
Hereditary thrombocytopenia and hematological cancer predisposition syndrome associated with RUNX1. Also called: Familial Platelet Disorder with Propensity to Acute Myelogenous Leukemia; Familial thrombocytopenia with propensity to acute myelogenous leukemia; RUNX1 Familial Platelet Disorder with Associated Myeloid Malignancies; PLATELET DISORDER, ASPIRIN-LIKE. Identifiers: Orphanet 71290, MedGen C1832388, MeSH C563324, MONDO:0100083, OMIM 601399.

Allele frequency attached by ClinVar (database versions not stated): gnomAD exomes 0.00001; TOPMed 0.00001; gnomAD 0.00002; ExAC 0.00003.
gnomAD v4.1: 15 of 1,580,346 alleles (0.00095%); highest among the groups gnomAD compares: Middle Eastern, 0.017%; no homozygotes.

Submissions (3):

ClinGen Myeloid Malignancy Variant Curation Expert Panel
Classification: Likely benign for Hereditary thrombocytopenia and hematologic cancer predisposition syndrome. Last evaluated: 2022-02-11. Review status: reviewed by expert panel. Criteria: ClinGen MyeloMalig ACMG Specifications v2. Collection method: curation. Allele origin: germline. Inheritance: Autosomal dominant inheritance.
Comment: The variant NM_001754.5(RUNX1): c.1119G>C (p.Ser373=) is a synonymous variant. As this is a synonymous variant, there is no REVEL score however SpliceAI is ≤0.20 (0.00) (BP4). The PhyloP score is <2.0 (-0.771) (BP7). In summary, this variant meets criteria to be classified as likely benign. ACMG/AMP criteria applied, as specified by the Myeloid Malignancy Variant Curation Expert Panel for RUNX1: BP4, BP7

Labcorp Genetics (formerly Invitae), Labcorp
Classification: Likely benign for Hereditary thrombocytopenia and hematological cancer predisposition syndrome associated with RUNX1. Last evaluated: 2026-01-05. Review status: criteria provided, single submitter. Criteria: Invitae Variant Classification Sherloc (09022015). Collection method: clinical testing. Allele origin: germline. Not counted in ClinVar's aggregate classification.

Ambry Genetics
Classification: Likely benign for Inborn genetic diseases. Last evaluated: 2025-01-16. Review status: criteria provided, single submitter. Criteria: Ambry Variant Classification Scheme 2023. Collection method: clinical testing. Allele origin: germline. Not counted in ClinVar's aggregate classification.